The following is an entry in ClinVar:

NM_001035.3(RYR2):c.7343-9C>T

Gene: RYR2 (ryanodine receptor 2; plus strand). Cytogenetic location: 1q43.
Variant type: single nucleotide variant.
Coding change: c.7343-9C>T on transcript NM_001035.3 (MANE Select); 9 bases into the intron before coding-DNA position 7343, C replaced by T.
Molecular consequence: intron variant.
Genome position (GRCh38, 1-based): chr1:237,648,435, C>T. VCF-style: chr1-237648435-C-T. GRCh37 (hg19) VCF-style: chr1-237811735-C-T.
Other names: c.7343-9C>T (LRG_402t1).
Identifiers: ClinVar variation 138950 (VCV000138950.21), dbSNP rs372778902, ClinGen allele CA010675.

ClinVar aggregate classification (germline): Benign/Likely benign. Review status: criteria provided, multiple submitters, no conflicts (2 of 4 stars). 8 submissions from 8 submitters: Benign (5); Likely benign (2). 1 of the submissions does not count toward it. Last evaluated 2026-03-24.

Conditions:
Ventricular arrhythmias due to cardiac ryanodine receptor calcium release deficiency syndrome. Also called: Autosomal dominant cardiac arrhythmia (Kuhn). Identifiers: MedGen C5542154, MONDO:0020745, OMIM 115000.
Catecholaminergic polymorphic ventricular tachycardia 1. Also called: RYR2-Related Catecholaminergic Polymorphic Ventricular Tachycardia; VENTRICULAR TACHYCARDIA, STRESS-INDUCED POLYMORPHIC 1; VENTRICULAR TACHYCARDIA, CATECHOLAMINERGIC POLYMORPHIC, 1, WITH OR WITHOUT ATRIAL DYSFUNCTION AND/OR DILATED CARDIOMYOPATHY. Identifiers: Orphanet 3286, MedGen C1631597, MONDO:0011484, OMIM 604772.
Arrhythmogenic right ventricular dysplasia 2. Identifiers: MedGen C1832931.
RYR2-related disorder. Also called: RYR2-related condition.
Catecholaminergic polymorphic ventricular tachycardia (CVPT). Also called: Catecholamine-induced polymorphic ventricular tachycardia. Identifiers: Orphanet 3286, MedGen C5574922, MONDO:0017990.
Cardiomyopathy (CMYO). Also called: Cardiomyopathies. Identifiers: Orphanet 167848, MedGen C0878544, MONDO:0004994, HP:0001638. Inheritance: Various modes of inheritance.

Allele frequency attached by ClinVar (database versions not stated): TOPMed 0.00013; ESP Exome Variant Server 0.00017; ExAC 0.00080.
gnomAD v4.1: 308 of 1,591,958 alleles (0.019%); highest among the groups gnomAD compares: Non-Finnish European, 0.012%; 1 homozygote.

Submissions (8):

Women's Health and Genetics/Laboratory Corporation of America, LabCorp
Classification: Benign. Last evaluated: 2026-03-24. Review status: criteria provided, single submitter. Criteria: LabCorp Variant Classification Summary - May 2015. Collection method: clinical testing. Allele origin: germline.
Comment: Variant summary: RYR2 c.7343-9C>T alters a conserved nucleotide located at a position not widely known to affect splicing. Consensus agreement among computation tools predict no significant impact on normal splicing. However, these predictions have yet to be confirmed by functional studies. The variant allele was found at a frequency of 0.00042 in 229056 control chromosomes in the gnomAD database, including 1 homozygote. The observed variant frequency exceeds the estimated maximal expected allele frequency for disease-causing variants in RYR2. c.7343-9C>T has been observed in at least one individual affected with long QT syndrome and was considered a normal genetic variant (example: Berge_2008). This report does not provide unequivocal conclusions about association of the variant with Catecholaminergic Polymorphic Ventricular Tachycardia. To our knowledge, no experimental evidence demonstrating an impact on protein function has been reported. The following publication has been ascertained in the context of this evaluation (PMID: 18752142). ClinVar contains an entry for this variant (Variation ID: 138950). Based on the evidence outlined above, the variant was classified as benign.

Labcorp Genetics (formerly Invitae), Labcorp
Classification: Benign for Catecholaminergic polymorphic ventricular tachycardia 1. Last evaluated: 2025-10-21. Review status: criteria provided, single submitter. Criteria: Invitae Variant Classification Sherloc (09022015). Collection method: clinical testing. Allele origin: germline.

Blueprint Genetics
Classification: Likely benign. Last evaluated: 2024-10-30. Review status: criteria provided, single submitter. Criteria: ACMG Guidelines, 2015. Collection method: clinical testing. Allele origin: germline.

All of Us Research Program, National Institutes of Health
Classification: Benign for Catecholaminergic polymorphic ventricular tachycardia. Last evaluated: 2024-01-11. Review status: criteria provided, single submitter. Criteria: ACMG Guidelines, 2015. Collection method: clinical testing. Allele origin: germline. Inheritance: Autosomal dominant inheritance. Observed: 33 variant alleles, 33 heterozygotes.
Comment: This study involves interpretation of variants in research participants for the purpose of population health screening. Participant phenotype was not available at the time of variant classification. Additional details can be found in publication PMID: 35346344, PMCID: PMC8962531

Fulgent Genetics
Classification: Likely benign for Ventricular arrhythmias due to cardiac ryanodine receptor calcium release deficiency syndrome; Catecholaminergic polymorphic ventricular tachycardia 1. Last evaluated: 2021-10-01. Review status: criteria provided, single submitter. Criteria: ACMG Guidelines, 2015. Collection method: clinical testing. Allele origin: unknown.

Color Diagnostics, LLC DBA Color Health
Classification: Benign for Cardiomyopathy. Last evaluated: 2018-11-16. Review status: criteria provided, single submitter. Criteria: ACMG Guidelines, 2015. Collection method: clinical testing. Allele origin: germline.

GeneDx
Classification: Benign. Last evaluated: 2013-06-08. Review status: criteria provided, single submitter. Criteria: GeneDx Variant Classification (06012015). Collection method: clinical testing. Allele origin: germline. Affected: yes.
Comment: This variant is considered likely benign or benign based on one or more of the following criteria: it is a conservative change, it occurs at a poorly conserved position in the protein, it is predicted to be benign by multiple in silico algorithms, and/or has population frequency not consistent with disease.

PreventionGenetics, part of Exact Sciences
Classification: Likely benign for RYR2-related condition. Last evaluated: 2023-06-01. Review status: no assertion criteria provided. Collection method: clinical testing. Allele origin: germline. Not counted in ClinVar's aggregate classification.
Comment: This variant is classified as likely benign based on ACMG/AMP sequence variant interpretation guidelines (Richards et al. 2015 PMID: 25741868, with internal and published modifications).

Literature cited by the submitters: PubMed 18752142 (cited by Women's Health and Genetics/Laboratory Corporation of America, LabCorp).